The following is an entry in ClinVar:

NM_000255.4(MMUT):c.-39-3T>A

Gene: MMUT (methylmalonyl-CoA mutase; minus strand). Cytogenetic location: 6p12.3.
Variant type: single nucleotide variant.
Coding change: c.-39-3T>A on transcript NM_000255.4 (MANE Select); 3 bases into the intron before 39 bases upstream of the start codon, T replaced by A.
Molecular consequence: intron variant.
Genome position (GRCh38, 1-based): chr6:49,459,508, A>T on the plus strand (T>A on the coding strand, the complement: MMUT is on the minus strand). VCF-style: chr6-49459508-A-T. GRCh37 (hg19) VCF-style: chr6-49427221-A-T.
Other names: KC594085.1.
Identifiers: ClinVar variation 100693 (VCV000100693.1), dbSNP rs483352799, ClinGen allele CA235506.

ClinVar aggregate classification (germline): not provided (0 of 4 stars; one submission).

Submission:

Medical Genetics Unit, Ain Shams University Pediatrics Hospital
No classification provided. Review status: no classification provided. Collection method: not provided. Allele origin: not provided.
Comment: Methylmalonic aciduria